The following is an entry in ClinVar:

NM_152424.4(AMER1):c.592G>A (p.Glu198Lys)

Gene: AMER1 (APC membrane recruitment protein 1; minus strand). Cytogenetic location: Xq11.2.
Variant type: single nucleotide variant.
Coding change: c.592G>A on transcript NM_152424.4 (MANE Select); coding-DNA position 592, G replaced by A.
Protein change: p.Glu198Lys; replaces glutamic acid 198 with lysine.
Molecular consequence: missense variant.
Genome position (GRCh38, 1-based): chrX:64,192,695, C>T on the plus strand (G>A on the coding strand, the complement: AMER1 is on the minus strand). VCF-style: chrX-64192695-C-T. GRCh37 (hg19) VCF-style: chrX-63412575-C-T.
Other names: short protein forms E198K.
Identifiers: ClinVar variation 2045580 (VCV002045580.4), dbSNP rs774927630, ClinGen allele CA10432453.
Genomic context (GRCh38, chrX:64,192,695, plus strand): 5'-CAAAGCAGGGCACCTGAGGGGCTGAGCTCACGTGCTCATGAGGCCTGGCTCTGACCCTCT[C>T]AGGCCCCTTGGCCCCTGGCTCACTTTGCTCAGCCCCAGTGACCTTGCTCTTCCGGTGACG-3'
Protein context (NP_689637.3, residues 188-208): EQSEPGAKGP[Glu198Lys]RVRARPHEHV

ClinVar aggregate classification (germline): Uncertain significance (1 of 4 stars; one submission).

Allele frequency attached by ClinVar (database versions not stated): gnomAD exomes below 0.00001; ExAC 0.00001; TOPMed 0.00001.
gnomAD v4.1: 2 of 1,179,707 alleles (0.00017%); highest among the groups gnomAD compares: Admixed American, 0.0048%; no homozygotes.

Submission:

Labcorp Genetics (formerly Invitae), Labcorp
Classification: Uncertain significance. Last evaluated: 2022-08-16. Review status: criteria provided, single submitter. Criteria: Invitae Variant Classification Sherloc (09022015). Collection method: clinical testing. Allele origin: germline.
Comment: In summary, the available evidence is currently insufficient to determine the role of this variant in disease. Therefore, it has been classified as a Variant of Uncertain Significance. Algorithms developed to predict the effect of missense changes on protein structure and function output the following: SIFT: "Deleterious"; PolyPhen-2: "Benign"; Align-GVGD: "Class C0". The lysine amino acid residue is found in multiple mammalian species, which suggests that this missense change does not adversely affect protein function. This sequence change replaces glutamic acid, which is acidic and polar, with lysine, which is basic and polar, at codon 198 of the AMER1 protein (p.Glu198Lys). This variant is present in population databases (rs774927630, gnomAD 0.009%). This variant has not been reported in the literature in individuals affected with AMER1-related conditions.